The following is an entry in ClinVar:

ClinVar aggregate classification (germline): Likely benign (1 of 4 stars; one submission).

Submission:

CeGaT Center for Human Genetics Tuebingen
Classification: Likely benign. Last evaluated: 2025-09-01. Review status: criteria provided, single submitter. Criteria: CeGaT Center For Human Genetics Tuebingen Variant Classification Criteria Version 2. Collection method: clinical testing. Allele origin: germline. Affected: yes. Observed: 1 variant allele.
Comment: PDX1: PM2:Supporting, BP4, BP7

NM_000209.4(PDX1):c.64C>A (p.Arg22=)

Gene: PDX1 (pancreatic and duodenal homeobox 1; plus strand). Cytogenetic location: 13q12.2.
Variant type: single nucleotide variant.
Coding change: c.64C>A on transcript NM_000209.4 (MANE Select); coding-DNA position 64, C replaced by A.
Protein change: p.Arg22=; no amino-acid change (arginine 22 retained).
Molecular consequence: synonymous variant.
Genome position (GRCh38, 1-based): chr13:27,920,202, C>A. VCF-style: chr13-27920202-C-A. GRCh37 (hg19) VCF-style: chr13-28494339-C-A.
Identifiers: ClinVar variation 4280859 (VCV004280859.7).